The following is an entry in ClinVar:

ClinVar aggregate classification (germline): Uncertain significance (1 of 4 stars; one submission).

Conditions:
Hereditary cancer-predisposing syndrome. Also called: Neoplastic Syndromes, Hereditary; Tumor predisposition; Hereditary neoplastic syndrome; Hereditary Cancer Syndrome. Identifiers: Orphanet 140162, MedGen C0027672, MeSH D009386, MONDO:0015356.

Submission:

Ambry Genetics
Classification: Uncertain significance for Hereditary cancer-predisposing syndrome. Last evaluated: 2026-08-01. Review status: criteria provided, single submitter. Criteria: Ambry Variant Classification Scheme 2023. Collection method: clinical testing. Allele origin: germline.
Comment: The p.Q402P variant (also known as c.1205A>C), located in coding exon 5 of the BLM gene, results from an A to C substitution at nucleotide position 1205. The glutamine at codon 402 is replaced by proline, an amino acid with similar properties. This amino acid position is conserved. In addition, this alteration is predicted to be tolerated by in silico analysis. Based on the available evidence, the clinical significance of this variant remains unclear.

NM_000057.4(BLM):c.1205A>C (p.Gln402Pro)

Gene: BLM (BLM RecQ like helicase; plus strand). Cytogenetic location: 15q26.1.
Variant type: single nucleotide variant.
Coding change: c.1205A>C on transcript NM_000057.4 (MANE Select); coding-DNA position 1205, A replaced by C.
Protein change: p.Gln402Pro; replaces glutamine 402 with proline.
Molecular consequence: missense variant.
Genome position (GRCh38, 1-based): chr15:90,760,264, A>C. VCF-style: chr15-90760264-A-C. GRCh37 (hg19) VCF-style: chr15-91303494-A-C.
Other names: c.1205A>C, p.Gln402Pro (NM_001287246.2, NM_001287247.2); c.80A>C, p.Gln27Pro (NM_001287248.2); short protein forms Q402P, Q27P.
Identifiers: ClinVar variation 5032916 (VCV005032916.1).